The following is an entry in ClinVar:

ClinVar aggregate classification (germline): Likely pathogenic (1 of 4 stars; one submission).

Conditions:
Hereditary spastic paraplegia 15 (SPG15). Also called: SPASTIC PARAPLEGIA 15, AUTOSOMAL RECESSIVE; KJELLIN SYNDROME; SPASTIC PARAPLEGIA AND RETINAL DEGENERATION. Identifiers: Orphanet 100996, MedGen C1849128, MONDO:0010044, OMIM 270700.

Submission:

Myriad Genetics, Inc.
Classification: Likely pathogenic for Hereditary spastic paraplegia 15. Last evaluated: 2022-02-19. Review status: criteria provided, single submitter. Criteria: Myriad Women's Health Autosomal Recessive and X-Linked Classification Criteria (2021). Collection method: clinical testing. Allele origin: unknown.
Comment: NM_015346.3(ZFYVE26):c.2644C>T(Q882*) is expected to be pathogenic in the context of spastic paraplegia type 15. This variant is predicted to lead to an abnormal or absent protein product due to the creation of a premature termination codon in ZFYVE26, a gene where loss-of-function variants are known to be pathogenic. Please note: this variant was assessed in the context of healthy population screening.

NM_015346.4(ZFYVE26):c.2644C>T (p.Gln882Ter)

Gene: ZFYVE26 (zinc finger FYVE-type containing 26; minus strand). Cytogenetic location: 14q24.1.
Variant type: single nucleotide variant.
Coding change: c.2644C>T on transcript NM_015346.4 (MANE Select); coding-DNA position 2644, C replaced by T.
Protein change: p.Gln882Ter; replaces glutamine 882 with a stop codon.
Molecular consequence: nonsense.
Genome position (GRCh38, 1-based): chr14:67,790,683, G>A on the plus strand (C>T on the coding strand, the complement: ZFYVE26 is on the minus strand). VCF-style: chr14-67790683-G-A. GRCh37 (hg19) VCF-style: chr14-68257400-G-A.
Other names: short protein forms Q882*.
Identifiers: ClinVar variation 1724518 (VCV001724518.2), dbSNP rs2502832661, ClinGen allele CA390173987.